The following is an entry in ClinVar:

NM_001367873.1(SOX6):c.2004del (p.Gln668fs)

Gene: SOX6 (SRY-box transcription factor 6; minus strand). Cytogenetic location: 11p15.2.
Variant type: Deletion.
Coding change: c.2004del on transcript NM_001367873.1 (MANE Select); coding-DNA position 2004, one base deleted (A; older notation c.2004delA).
Protein change: p.Gln668fs; shifts the reading frame from glutamine 668.
Molecular consequence: frameshift variant.
Genome position (GRCh38, 1-based): chr11:15,986,383, T deleted on the plus strand (A on the coding strand, the reverse complement: SOX6 is on the minus strand); the first of 2 consecutive T bases (chr11:15,986,383-15,986,384); deleting either gives the same sequence. VCF-style (leftmost placement, unchanged base first): chr11-15986382-GT-G. GRCh37 (hg19) VCF-style: chr11-16007928-GT-G.
Other names: c.1923del, p.Gln641fs (NM_001145811.2, NM_017508.3); c.2004del, p.Gln668fs (NM_001145819.2); c.1881del, p.Gln627fs (NM_001367872.1); c.1944del, p.Gln648fs (NM_033326.3); short protein forms Q627fs, Q641fs, Q648fs, Q668fs.
Identifiers: ClinVar variation 4851463 (VCV004851463.1).

ClinVar aggregate classification (germline): Likely pathogenic (1 of 4 stars; one submission).

Conditions:
Tolchin-Le Caignec syndrome. Also called: INTELLECTUAL DEVELOPMENTAL DISORDER WITH BEHAVIORAL ABNORMALITIES AND VARIABLE BONE DEFECTS. Identifiers: MedGen C5436509, MONDO:0033544, OMIM 618971.

Submission:

Institute of Immunology and Genetics Kaiserslautern
Classification: Likely pathogenic for Tolchin-Le Caignec syndrome. Last evaluated: 2026-01-15. Review status: criteria provided, single submitter. Criteria: ACMG Guidelines, 2015. Collection method: clinical testing. Allele origin: germline. Affected: yes.
Comment: ACMG Criteria: PVS1, PM2; Variant was found in heterozygous state.